The following is an entry in ClinVar:

NM_000540.3(RYR1):c.6947A>G (p.Lys2316Arg)

Gene: RYR1 (ryanodine receptor 1; plus strand). Cytogenetic location: 19q13.2.
Variant type: single nucleotide variant.
Coding change: c.6947A>G on transcript NM_000540.3 (MANE Select); coding-DNA position 6947, A replaced by G.
Protein change: p.Lys2316Arg; replaces lysine 2316 with arginine.
Molecular consequence: missense variant.
Genome position (GRCh38, 1-based): chr19:38,499,163, A>G. VCF-style: chr19-38499163-A-G. GRCh37 (hg19) VCF-style: chr19-38989803-A-G.
Other names: c.6947A>G, p.Lys2316Arg (NM_001042723.2); short protein forms K2316R.
Identifiers: ClinVar variation 3074897 (VCV003074897.1), dbSNP rs2514308355, ClinGen allele CA405667250.

ClinVar aggregate classification (germline): Uncertain significance (1 of 4 stars; one submission).

Conditions:
Malignant hyperthermia, susceptibility to, 1 (MHS1). Also called: Anesthesia related hyperthermia; Malignant hyperpyrexia; Fulminating hyperpyrexia; Pharmacogenic myopathy; RYR1-Related Malignant Hyperthermia Susceptibility; Malignant hyperthermia suceptibility 1. Identifiers: Orphanet 423, MedGen C2930980, MONDO:0007783, OMIM 145600.

Submission:

All of Us Research Program, National Institutes of Health
Classification: Uncertain significance for Malignant hyperthermia, susceptibility to, 1. Last evaluated: 2023-12-13. Review status: criteria provided, single submitter. Criteria: ACMG Guidelines, 2015. Collection method: clinical testing. Allele origin: germline. Inheritance: Autosomal dominant inheritance. Observed: 1 variant allele, 1 heterozygote.
Comment: This missense variant replaces lysine with arginine at codon 2316 of the RYR1 protein. Computational prediction suggests that this variant may not impact protein structure and function (internally defined REVEL score threshold <= 0.5, PMID: 27666373). To our knowledge, functional studies have not been reported for this variant. This variant has not been reported in individuals affected with RYR1-related disorders in the literature. This variant has not been identified in the general population by the Genome Aggregation Database (gnomAD). The available evidence is insufficient to determine the role of this variant in disease conclusively. Therefore, this variant is classified as a Variant of Uncertain Significance.

This study involves interpretation of variants in research participants for the purpose of population health screening. Participant phenotype was not available at the time of variant classification. Additional details can be found in publication PMID: 35346344, PMCID: PMC8962531